The following is an entry in ClinVar:

ClinVar aggregate classification (germline): Uncertain significance (1 of 4 stars; one submission).

Conditions:
Hyperaldosteronism, familial, type IV (HALD4). Also called: FH IV; ALDOSTERONISM, PRIMARY, AND HYPERTENSION. Identifiers: Orphanet 642671, MedGen C4310756, MONDO:0014875, OMIM 617027.
Idiopathic generalized epilepsy. Also called: EIG; Generalised epilepsy. Identifiers: MedGen C0270850, MONDO:0005579, OMIM 600669.

Submission:

Labcorp Genetics (formerly Invitae), Labcorp
Classification: Uncertain significance for Idiopathic generalized epilepsy; Hyperaldosteronism, familial, type IV. Last evaluated: 2023-08-11. Review status: criteria provided, single submitter. Criteria: Invitae Variant Classification Sherloc (09022015). Collection method: clinical testing. Allele origin: germline.
Comment: An algorithm developed to predict the effect of missense changes on protein structure and function (PolyPhen-2) suggests that this variant is likely to be tolerated. In summary, the available evidence is currently insufficient to determine the role of this variant in disease. Therefore, it has been classified as a Variant of Uncertain Significance. This variant has not been reported in the literature in individuals affected with CACNA1H-related conditions. This variant is not present in population databases (gnomAD no frequency). This sequence change replaces glutamic acid, which is acidic and polar, with glycine, which is neutral and non-polar, at codon 137 of the CACNA1H protein (p.Glu137Gly).

NM_021098.3(CACNA1H):c.410A>G (p.Glu137Gly)

Gene: CACNA1H (calcium voltage-gated channel subunit alpha1 H; plus strand). Cytogenetic location: 16p13.3.
Variant type: single nucleotide variant.
Coding change: c.410A>G on transcript NM_021098.3 (MANE Select); coding-DNA position 410, A replaced by G.
Protein change: p.Glu137Gly; replaces glutamic acid 137 with glycine.
Molecular consequence: missense variant.
Genome position (GRCh38, 1-based): chr16:1,195,082, A>G. VCF-style: chr16-1195082-A-G. GRCh37 (hg19) VCF-style: chr16-1245082-A-G.
Other names: c.410A>G, p.Glu137Gly (NM_001005407.2); short protein forms E137G.
Identifiers: ClinVar variation 2932204 (VCV002932204.3), dbSNP rs2548603081, ClinGen allele CA394152253.